The following is an entry in ClinVar:

NM_023110.3(FGFR1):c.1274G>A (p.Arg425Lys)

Gene: FGFR1 (fibroblast growth factor receptor 1; minus strand). Cytogenetic location: 8p11.23.
Variant type: single nucleotide variant.
Coding change: c.1274G>A on transcript NM_023110.3 (MANE Select); coding-DNA position 1274, G replaced by A.
Protein change: p.Arg425Lys; replaces arginine 425 with lysine.
Molecular consequence: missense variant.
Genome position (GRCh38, 1-based): chr8:38,419,543, C>T on the plus strand (G>A on the coding strand, the complement: FGFR1 is on the minus strand). VCF-style: chr8-38419543-C-T. GRCh37 (hg19) VCF-style: chr8-38277061-C-T.
Other names: c.1274G>A, p.Arg425Lys (NM_000604.2, NM_001174063.2); c.1250G>A, p.Arg417Lys (NM_001174064.2); c.1268G>A, p.Arg423Lys (NM_001174065.2, NM_001354367.2, NM_001354369.2 and 2 more transcripts); c.1007G>A, p.Arg336Lys (NM_001174066.2, NM_023105.3); c.1367G>A, p.Arg456Lys (NM_001174067.2); c.1001G>A, p.Arg334Lys (NM_001354368.2, NM_001354370.2, NM_023106.3); short protein forms R417K, R425K, R336K, R423K, R456K, R334K.
Identifiers: ClinVar variation 2953541 (VCV002953541.3), dbSNP rs767080647, ClinGen allele CA370733526.

ClinVar aggregate classification (germline): Uncertain significance (1 of 4 stars; one submission).

Conditions:
Pfeiffer syndrome (ACS5). Also called: ACS V. Identifiers: Orphanet 710, MedGen C0220658, MONDO:0007043, OMIM 101600.
Hypogonadotropic hypogonadism 2 with or without anosmia (HH2). Also called: FGFR1-Related GnRH Deficiency (Kallmann Syndrome 2); HYPOGONADOTROPIC HYPOGONADISM 2 WITHOUT ANOSMIA; HYPOGONADOTROPIC HYPOGONADISM 2 WITH OR WITHOUT ANOSMIA, SUSCEPTIBILITY TO; HYPOGONADOTROPIC HYPOGONADISM 2 WITHOUT ANOSMIA, SUSCEPTIBILITY TO. Identifiers: Orphanet 478, MedGen C1563720, MONDO:0007844, OMIM 147950. Disease mechanism: loss of function.

Submission:

Labcorp Genetics (formerly Invitae), Labcorp
Classification: Uncertain significance for Pfeiffer syndrome; Hypogonadotropic hypogonadism 2 with or without anosmia. Last evaluated: 2024-03-20. Review status: criteria provided, single submitter. Criteria: Invitae Variant Classification Sherloc (09022015). Collection method: clinical testing. Allele origin: germline.
Comment: This sequence change replaces arginine, which is basic and polar, with lysine, which is basic and polar, at codon 425 of the FGFR1 protein (p.Arg425Lys). This variant is not present in population databases (gnomAD no frequency). This variant has not been reported in the literature in individuals affected with FGFR1-related conditions. Advanced modeling of protein sequence and biophysical properties (such as structural, functional, and spatial information, amino acid conservation, physicochemical variation, residue mobility, and thermodynamic stability) has been performed at Invitae for this missense variant, however the output from this modeling did not meet the statistical confidence thresholds required to predict the impact of this variant on FGFR1 protein function. In summary, the available evidence is currently insufficient to determine the role of this variant in disease. Therefore, it has been classified as a Variant of Uncertain Significance.